The following is an entry in ClinVar:

ClinVar aggregate classification (germline): Uncertain significance. Review status: criteria provided, multiple submitters, no conflicts (2 of 4 stars). 2 submissions from 2 submitters: Uncertain significance (2). Last evaluated 2025-05-01.

Submissions (2):

GeneDx
Classification: Uncertain significance. Last evaluated: 2025-05-01. Review status: criteria provided, single submitter. Criteria: GeneDx Variant Classification Process June 2021. Collection method: clinical testing. Allele origin: germline. Affected: yes.
Comment: Not observed at significant frequency in large population cohorts (gnomAD); In silico analysis supports that this missense variant has a deleterious effect on protein structure/function; Has not been previously published as pathogenic or benign to our knowledge

Labcorp Genetics (formerly Invitae), Labcorp
Classification: Uncertain significance. Last evaluated: 2023-12-23. Review status: criteria provided, single submitter. Criteria: Invitae Variant Classification Sherloc (09022015). Collection method: clinical testing. Allele origin: germline.
Comment: This sequence change replaces valine, which is neutral and non-polar, with alanine, which is neutral and non-polar, at codon 197 of the NYX protein (p.Val197Ala). The frequency data for this variant in the population databases is considered unreliable, as metrics indicate insufficient coverage at this position in the gnomAD database. This variant has not been reported in the literature in individuals affected with NYX-related conditions. Advanced modeling of protein sequence and biophysical properties (such as structural, functional, and spatial information, amino acid conservation, physicochemical variation, residue mobility, and thermodynamic stability) performed at Invitae indicates that this missense variant is not expected to disrupt NYX protein function with a negative predictive value of 80%. In summary, the available evidence is currently insufficient to determine the role of this variant in disease. Therefore, it has been classified as a Variant of Uncertain Significance.

NM_001378477.3(NYX):c.575T>C (p.Val192Ala)

Gene: NYX (nyctalopin; plus strand). Cytogenetic location: Xp11.4.
Variant type: single nucleotide variant.
Coding change: c.575T>C on transcript NM_001378477.3 (MANE Select); coding-DNA position 575, T replaced by C.
Protein change: p.Val192Ala; replaces valine 192 with alanine.
Molecular consequence: missense variant.
Genome position (GRCh38, 1-based): chrX:41,474,043, T>C. VCF-style: chrX-41474043-T-C. GRCh37 (hg19) VCF-style: chrX-41333296-T-C.
Other names: c.575T>C, p.Val192Ala (NM_022567.3); c.590T>C (NM_022567.2); short protein forms V192A.
Identifiers: ClinVar variation 2705037 (VCV002705037.4), dbSNP rs2519607652, ClinGen allele CA412990835.